The following is an entry in ClinVar:

NM_000207.3(INS):c.71C>A (p.Ala24Asp)

Genes: INS (insulin; minus strand), INS-IGF2 (INS-IGF2 readthrough; minus strand). Cytogenetic location: 11p15.5.
Variant type: single nucleotide variant.
Coding change: c.71C>A on transcript NM_000207.3 (MANE Select); coding-DNA position 71, C replaced by A.
Protein change: p.Ala24Asp; replaces alanine 24 with aspartic acid.
Molecular consequence: missense variant. On other transcripts: non-coding transcript variant (1).
Genome position (GRCh38, 1-based): chr11:2,160,901, G>T on the plus strand (C>A on the coding strand, the complement: INS is on the minus strand). VCF-style: chr11-2160901-G-T. GRCh37 (hg19) VCF-style: chr11-2182131-G-T.
Other names: c.71C>A, p.Ala24Asp (NM_001185097.2, NM_001185098.2, NM_001291897.2 and 1 more transcripts); short protein forms A24D.
Identifiers: ClinVar variation 13388 (VCV000013388.13), dbSNP rs80356663, ClinGen allele CA341284.

ClinVar aggregate classification (germline): Pathogenic/Likely risk allele. Review status: criteria provided, multiple submitters, no conflicts (2 of 4 stars). 6 submissions from 6 submitters: Pathogenic (2); Likely risk allele (1). 3 of the submissions do not count toward it. Last evaluated 2023-11-02.

Conditions:
Diabetes mellitus, permanent neonatal 4. Also called: INS-Related Permanent Neonatal Diabetes Mellitus. Identifiers: MedGen C5394307, MONDO:0030089, OMIM 618858.
Permanent neonatal diabetes mellitus (PNDM). Identifiers: Orphanet 99885, MedGen C1833104, MONDO:0100164, MONDO:0011643. Disease mechanism: gain of function.

Submissions (6):

Labcorp Genetics (formerly Invitae), Labcorp
Classification: Pathogenic. Last evaluated: 2023-11-02. Review status: criteria provided, single submitter. Criteria: Invitae Variant Classification Sherloc (09022015). Collection method: clinical testing. Allele origin: germline.
Comment: This sequence change replaces alanine, which is neutral and non-polar, with aspartic acid, which is acidic and polar, at codon 24 of the INS protein (p.Ala24Asp). This variant is not present in population databases (gnomAD no frequency). This missense change has been observed in individual(s) with autosomal dominant neonatal diabetes (PMID: 17855560). In at least one individual the variant was observed to be de novo. ClinVar contains an entry for this variant (Variation ID: 13388). Experimental studies and prediction algorithms are not available or were not evaluated, and the functional significance of this variant is currently unknown. For these reasons, this variant has been classified as Pathogenic.

Genetic Services Laboratory, University of Chicago
Classification: Pathogenic. Last evaluated: 2020-06-19. Review status: criteria provided, single submitter. Criteria: ACMG Guidelines, 2015. Collection method: clinical testing. Allele origin: germline. Affected: yes.
Comment: DNA sequence analysis of the INS gene demonstrated a sequence change, c.71C>A, in exon 2 that results in an amino acid change, p.Ala24Asp. This sequence change is absent from large population databases such as ExAC and gnomAD (dbSNP rs80356663). The p.Ala24Asp change affects a highly conserved amino acid residue located in region of insulin protein (signal peptide cleavage site) that is known to be functional. In-silico pathogenicity prediction tools (SIFT, PolyPhen2, Align GVGD, REVEL) provide contradictory results for the p.Ala24Asp substitution. This particular amino acid change has been described in multiple patients with permanent neonatal diabetes (PMIDs: 17855560, 18162506, and 18171712). Functional studies have shown that p.Ala24Asp mutant results in aberrant processing of proinsulin to insulin and retention of proinsulin in the endoplasmic reticulum (PMIDs: 19952343, 22357960). Pathogenic variants in INS cause permanent neonatal diabetes [OMIM# 606176]. Most cases of INS-associated neonatal diabetes are inherited in an autosomal dominant manner; however autosomal recessive cases have also been reported.

Clinical Genomics, Uppaluri K&H Personalized Medicine Clinic
Classification: Likely risk allele for Diabetes mellitus, permanent neonatal 4. Review status: criteria provided, single submitter. Criteria: K &amp; H Uppaluri Personalized Medicine Clinic Variant Classification &amp; Assertion Criteria_Updated V.1. Collection method: research. Allele origin: unknown. Inheritance: Autosomal recessive inheritance.
Comment: Potent mutations in the INS gene can cause early onset diabetes mellitus which is insulin dependent. May have poor response to sulfonylureas, mutations in this gene can cause beta cell destruction.Sufficient evidence is found to confer the association of this particular variant A24D/rs80356663 with permanent neonatal diabetes.

OMIM
Classification: Pathogenic for DIABETES MELLITUS, PERMANENT NEONATAL, 4. Last evaluated: 2008-04-01. Review status: no assertion criteria provided. Collection method: literature only. Allele origin: germline. Not counted in ClinVar's aggregate classification.

GeneReviews
No classification provided. Condition: Permanent neonatal diabetes mellitus. Review status: no classification provided. Collection method: literature only. Allele origin: unknown. Not counted in ClinVar's aggregate classification.

UniProtKB/Swiss-Prot
No classification provided. Condition: Permanent neonatal diabetes mellitus. Review status: no classification provided. Collection method: not provided. Allele origin: not provided. Not counted in ClinVar's aggregate classification.

Literature cited by the submitters: PubMed 17855560 (cited by Labcorp Genetics (formerly Invitae), Labcorp and OMIM); PubMed 18162506 (cited by Clinical Genomics, Uppaluri K&H Personalized Medicine Clinic and OMIM); PubMed 32894308 (cited by Clinical Genomics, Uppaluri K&H Personalized Medicine Clinic); PubMed 25765664 (cited by Clinical Genomics, Uppaluri K&H Personalized Medicine Clinic); PubMed 18171712 (cited by OMIM and GeneReviews); PubMed 17047922 (cited by GeneReviews); PubMed 20301620 (cited by GeneReviews); NCBI Bookshelf NBK1447 (cited by GeneReviews).